The following is an entry in ClinVar:

ClinVar aggregate classification (germline): Conflicting classifications of pathogenicity. Review status: criteria provided, conflicting classifications (1 of 4 stars). 2 submissions from 2 submitters: Likely pathogenic (1); Uncertain significance (1). Last evaluated 2026-04-28.

Conditions:
Tumor predisposition syndrome 3 (TPDS3). Also called: Glioma susceptibility 9; LONG TELOMERE SYNDROME, POT1-RELATED; POT1 Tumor Predisposition; Melanoma, cutaneous malignant, susceptibility to, 10. Identifiers: Orphanet 618, MedGen C4014476, MONDO:0014368, OMIM 615848.
Hereditary cancer-predisposing syndrome. Also called: Tumor predisposition; Neoplastic Syndromes, Hereditary; Hereditary Cancer Syndrome; Hereditary neoplastic syndrome. Identifiers: Orphanet 140162, MedGen C0027672, MeSH D009386, MONDO:0015356.

Submissions (2):

Ambry Genetics
Classification: Uncertain significance for Hereditary cancer-predisposing syndrome. Last evaluated: 2026-04-28. Review status: criteria provided, single submitter. Criteria: Ambry Variant Classification Scheme 2023. Collection method: clinical testing. Allele origin: germline.
Comment: The c.1595-2A>G intronic variant results from an A to G substitution two nucleotides upstream from coding exon 13 in the POT1 gene. In silico splice site analysis predicts that this alteration will weaken the native splice acceptor site. A resulting transcript is predicted to be in-frame and is not expected to trigger nonsense-mediated mRNA decay. RNA studies have demonstrated that this variant results in a transcript predicted to lead to a protein with an in-frame deletion of 21 amino acids; however, the exact functional impact of the deleted amino acids is unknown at this time (Ambry internal data). This nucleotide position is highly conserved in available vertebrate species. Based on the available evidence, the clinical significance of this variant remains unclear.

Labcorp Genetics (formerly Invitae), Labcorp
Classification: Likely pathogenic for Tumor predisposition syndrome 3. Last evaluated: 2022-01-05. Review status: criteria provided, single submitter. Criteria: Invitae Variant Classification Sherloc (09022015). Collection method: clinical testing. Allele origin: germline.
Comment: This sequence change affects an acceptor splice site in intron 16 of the POT1 gene. It is expected to disrupt RNA splicing. Variants that disrupt the donor or acceptor splice site typically lead to a loss of protein function (PMID: 16199547), and loss-of-function variants in POT1 are known to be pathogenic (PMID: 32155570). This variant is not present in population databases (gnomAD no frequency). This variant has not been reported in the literature in individuals affected with POT1-related conditions. Algorithms developed to predict the effect of sequence changes on RNA splicing suggest that this variant may disrupt the consensus splice site. In summary, the currently available evidence indicates that the variant is pathogenic, but additional data are needed to prove that conclusively. Therefore, this variant has been classified as Likely Pathogenic.

Literature cited by the submitters: PubMed 16199547 (cited by Labcorp Genetics (formerly Invitae), Labcorp); PubMed 32155570 (cited by Labcorp Genetics (formerly Invitae), Labcorp).

NM_015450.3(POT1):c.1595-2A>G

Gene: POT1 (protection of telomeres 1; minus strand). Cytogenetic location: 7q31.33.
Variant type: single nucleotide variant.
Coding change: c.1595-2A>G on transcript NM_015450.3 (MANE Select); the canonical splice acceptor site of the intron before coding-DNA position 1595, A replaced by G.
Molecular consequence: splice acceptor variant.
Genome position (GRCh38, 1-based): chr7:124,827,307, T>C on the plus strand (A>G on the coding strand, the complement: POT1 is on the minus strand). VCF-style: chr7-124827307-T-C. GRCh37 (hg19) VCF-style: chr7-124467361-T-C.
Other names: c.1595-2A>G (NM_015450.2); c.1202-2A>G (NM_001042594.2).
Identifiers: ClinVar variation 1512491 (VCV001512491.7), dbSNP rs2116415268, ClinGen allele CA369063297.